The following is an entry in ClinVar:

NM_001395656.1(ROBO2):c.335C>G (p.Ala112Gly)

Gene: ROBO2 (roundabout guidance receptor 2; plus strand). Cytogenetic location: 3p12.3.
Variant type: single nucleotide variant.
Coding change: c.335C>G on transcript NM_001395656.1 (MANE Select); coding-DNA position 335, C replaced by G.
Protein change: p.Ala112Gly; replaces alanine 112 with glycine.
Molecular consequence: missense variant. On other transcripts: 5 prime UTR variant (1).
Genome position (GRCh38, 1-based): chr3:77,098,287, C>G. VCF-style: chr3-77098287-C-G. GRCh37 (hg19) VCF-style: chr3-77147438-C-G.
Other names: c.383C>G, p.Ala128Gly (NM_001128929.3, NM_001378190.1, NM_001378191.1 and 5 more transcripts); c.335C>G, p.Ala112Gly (NM_001290039.2, NM_001290040.2, NM_001378193.1 and 3 more transcripts); c.-1584C>G (NM_001290065.2); c.404C>G, p.Ala135Gly (NM_001378192.1, NM_001378194.1, NM_001378198.1 and 5 more transcripts); short protein forms A135G, A128G, A112G.
Identifiers: ClinVar variation 3022981 (VCV003022981.4), dbSNP rs780623744, ClinGen allele CA2496689.

ClinVar aggregate classification (germline): Uncertain significance. Review status: criteria provided, multiple submitters, no conflicts (2 of 4 stars). 2 submissions from 2 submitters: Uncertain significance (2). Last evaluated 2024-05-06.

Conditions:
Vesicoureteral reflux 2 (VUR2). Identifiers: Orphanet 289365, MedGen C1970483, MONDO:0012573, OMIM 610878.

gnomAD v4.1: 41 of 1,614,052 alleles (0.0025%); highest among the groups gnomAD compares: Non-Finnish European, 0.0032%; no homozygotes.

Submissions (2):

Fulgent Genetics
Classification: Uncertain significance for Vesicoureteral reflux 2. Last evaluated: 2024-05-06. Review status: criteria provided, single submitter. Criteria: ACMG Guidelines, 2015. Collection method: clinical testing. Allele origin: germline.

Labcorp Genetics (formerly Invitae), Labcorp
Classification: Uncertain significance. Last evaluated: 2023-03-14. Review status: criteria provided, single submitter. Criteria: Invitae Variant Classification Sherloc (09022015). Collection method: clinical testing. Allele origin: germline.
Comment: In summary, the available evidence is currently insufficient to determine the role of this variant in disease. Therefore, it has been classified as a Variant of Uncertain Significance. This sequence change replaces alanine, which is neutral and non-polar, with glycine, which is neutral and non-polar, at codon 112 of the ROBO2 protein (p.Ala112Gly). This variant is present in population databases (rs780623744, gnomAD 0.003%). This variant has not been reported in the literature in individuals affected with ROBO2-related conditions. Advanced modeling of protein sequence and biophysical properties (such as structural, functional, and spatial information, amino acid conservation, physicochemical variation, residue mobility, and thermodynamic stability) performed at Invitae indicates that this missense variant is not expected to disrupt ROBO2 protein function.